The following is an entry in ClinVar:

NM_003482.4(KMT2D):c.9284G>C (p.Gly3095Ala)

Gene: KMT2D (lysine methyltransferase 2D; minus strand). Cytogenetic location: 12q13.12.
Variant type: single nucleotide variant.
Coding change: c.9284G>C on transcript NM_003482.4 (MANE Select); coding-DNA position 9284, G replaced by C.
Protein change: p.Gly3095Ala; replaces glycine 3095 with alanine.
Molecular consequence: missense variant.
Genome position (GRCh38, 1-based): chr12:49,038,072, C>G on the plus strand (G>C on the coding strand, the complement: KMT2D is on the minus strand). VCF-style: chr12-49038072-C-G. GRCh37 (hg19) VCF-style: chr12-49431855-C-G.
Other names: short protein forms G3095A.
Identifiers: ClinVar variation 4882806 (VCV004882806.2).
Genomic context (GRCh38, chr12:49,038,072, plus strand): 5'-AGCACAGATGCCAGGCGGGGTTCAGAGGCATCAGCAGCAGGGGGAGGGCGCTCCTCAGGG[C>G]CCAAGGGTCCTGGCTCCACCCCCCGCAGCAGGGCCTCCCGTTCAGCCTTCTCATTAGCCG-3'
Protein context (NP_003473.3, residues 3085-3105): LLRGVEPGPL[Gly3095Ala]PEERPPPAAD

ClinVar aggregate classification (germline): Uncertain significance (1 of 4 stars; one submission).

Conditions:
Kabuki syndrome 1 (KABUK1). Also called: KMT2D-Related Kabuki Syndrome. Identifiers: Orphanet 2322, MedGen CN030661, MONDO:0007843, OMIM 147920.

gnomAD v4.1: 2 of 1,613,294 alleles (0.00012%); no homozygotes.

Submission:

Dasa
Classification: Uncertain significance for Kabuki syndrome 1. Last evaluated: 2026-01-26. Review status: criteria provided, single submitter. Criteria: DASA Assertion Criteria. Collection method: clinical testing. Allele origin: germline.
Comment: NM_003482.4(KMT2D):c.9284G>C (p.Gly3095Ala) is a missense variant that results in the substitution of glycine with alanine. This variant is rare in population databases. The currently available literature and clinical evidence are not sufficient to establish a definitive association between this variant and the reported condition. Therefore, this variant is classified as a variant of uncertain significance.